The following is an entry in ClinVar:

NM_001348716.2(KDM6B):c.1151C>T (p.Pro384Leu)

Gene: KDM6B (lysine demethylase 6B; plus strand). Cytogenetic location: 17p13.1.
Variant type: single nucleotide variant.
Coding change: c.1151C>T on transcript NM_001348716.2 (MANE Select); coding-DNA position 1151, C replaced by T.
Protein change: p.Pro384Leu; replaces proline 384 with leucine.
Molecular consequence: missense variant.
Genome position (GRCh38, 1-based): chr17:7,847,346, C>T. VCF-style: chr17-7847346-C-T. GRCh37 (hg19) VCF-style: chr17-7750664-C-T.
Other names: c.1151C>T, p.Pro384Leu (NM_001080424.2); short protein forms P384L.
Identifiers: ClinVar variation 5008482 (VCV005008482.1).

ClinVar aggregate classification (germline): Uncertain significance (1 of 4 stars; one submission).

Submission:

GeneDx
Classification: Uncertain significance. Last evaluated: 2026-03-03. Review status: criteria provided, single submitter. Criteria: GeneDx Variant Classification Process June 2021. Collection method: clinical testing. Allele origin: germline.
Comment: Not observed at significant frequency in large population cohorts (gnomAD); In silico analysis suggests that this missense variant does not alter protein structure/function; Has not been previously published as pathogenic or benign to our knowledge